The following is an entry in ClinVar:

NM_138713.4(NFAT5):c.3013T>A (p.Ser1005Thr)

Gene: NFAT5 (nuclear factor of activated T cells 5; plus strand). Cytogenetic location: 16q22.1.
Variant type: single nucleotide variant.
Coding change: c.3013T>A on transcript NM_138713.4 (MANE Select); coding-DNA position 3013, T replaced by A.
Protein change: p.Ser1005Thr; replaces serine 1005 with threonine.
Molecular consequence: missense variant.
Genome position (GRCh38, 1-based): chr16:69,692,838, T>A. VCF-style: chr16-69692838-T-A. GRCh37 (hg19) VCF-style: chr16-69726741-T-A.
Other names: c.3010T>A, p.Ser1004Thr (NM_001113178.3); c.2338T>A, p.Ser780Thr (NM_001367709.1); c.2959T>A, p.Ser987Thr (NM_006599.4); c.2731T>A, p.Ser911Thr (NM_138714.4, NM_173214.3, NM_173215.3); short protein forms S1004T, S780T, S987T, S911T, S1005T.
Identifiers: ClinVar variation 1360765 (VCV001360765.8), dbSNP rs2151720583, ClinGen allele CA396512048.

ClinVar aggregate classification (germline): Uncertain significance (1 of 4 stars; one submission).

Conditions:
Immunodeficiency. Identifiers: MedGen C0021051, MONDO:0021094, HP:0002721.

Submission:

Labcorp Genetics (formerly Invitae), Labcorp
Classification: Uncertain significance for Immunodeficiency. Last evaluated: 2022-02-10. Review status: criteria provided, single submitter. Criteria: Invitae Variant Classification Sherloc (09022015). Collection method: clinical testing. Allele origin: germline.
Comment: In summary, the available evidence is currently insufficient to determine the role of this variant in disease. Therefore, it has been classified as a Variant of Uncertain Significance. Algorithms developed to predict the effect of missense changes on protein structure and function (SIFT, PolyPhen-2, Align-GVGD) all suggest that this variant is likely to be tolerated. This variant has not been reported in the literature in individuals affected with NFAT5-related conditions. This variant is not present in population databases (gnomAD no frequency). This sequence change replaces serine, which is neutral and polar, with threonine, which is neutral and polar, at codon 911 of the NFAT5 protein (p.Ser911Thr).